The following is an entry in ClinVar:

ClinVar aggregate classification (germline): Uncertain significance (1 of 4 stars; one submission).

Conditions:
Cardiovascular phenotype. Identifiers: MedGen CN230736.

Allele frequency attached by ClinVar (database versions not stated): gnomAD exomes below 0.00001.
gnomAD v4.1: 1 of 1,614,240 alleles (0.000062%); highest among the groups gnomAD compares: Non-Finnish European, 0.000085%; no homozygotes.

Submission:

Ambry Genetics
Classification: Uncertain significance for Cardiovascular phenotype. Last evaluated: 2023-07-30. Review status: criteria provided, single submitter. Criteria: Ambry Variant Classification Scheme 2023. Collection method: clinical testing. Allele origin: germline.
Comment: The p.L1212P variant (also known as c.3635T>C), located in coding exon 23 of the APOB gene, results from a T to C substitution at nucleotide position 3635. The leucine at codon 1212 is replaced by proline, an amino acid with similar properties. This amino acid position is conserved. In addition, this alteration is predicted to be tolerated by in silico analysis. Since supporting evidence is limited at this time, the clinical significance of this alteration remains unclear.

NM_000384.3(APOB):c.3635T>C (p.Leu1212Pro)

Gene: APOB (apolipoprotein B; minus strand). Cytogenetic location: 2p24.1.
Variant type: single nucleotide variant.
Coding change: c.3635T>C on transcript NM_000384.3 (MANE Select); coding-DNA position 3635, T replaced by C.
Protein change: p.Leu1212Pro; replaces leucine 1212 with proline.
Molecular consequence: missense variant.
Genome position (GRCh38, 1-based): chr2:21,015,134, A>G on the plus strand (T>C on the coding strand, the complement: APOB is on the minus strand). VCF-style: chr2-21015134-A-G. GRCh37 (hg19) VCF-style: chr2-21238006-A-G.
Other names: short protein forms L1212P.
Identifiers: ClinVar variation 2586185 (VCV002586185.2), dbSNP rs1663431688, ClinGen allele CA346008633.
Genomic context (GRCh38, chr2:21,015,134, plus strand): 5'-ACTATTAATTTGGAACCCACGTGCCGGAAAGTCATGTCTGTTTGAGGGACTCTGTGATCC[A>G]GGAGTCTATTAGCATACATATGCAAGCTCTTAGGATAATCGGAGAGATCCACAGGGAAAT-3'
Protein context (NP_000375.3, residues 1202-1222): KSLHMYANRL[Leu1212Pro]DHRVPQTDMT